The following is an entry in ClinVar:

NM_000687.4(AHCY):c.808A>G (p.Asn270Asp)

Gene: AHCY (adenosylhomocysteinase; minus strand). Cytogenetic location: 20q11.22.
Variant type: single nucleotide variant.
Coding change: c.808A>G on transcript NM_000687.4 (MANE Select); coding-DNA position 808, A replaced by G.
Protein change: p.Asn270Asp; replaces asparagine 270 with aspartic acid.
Molecular consequence: missense variant.
Genome position (GRCh38, 1-based): chr20:34,290,597, T>C on the plus strand (A>G on the coding strand, the complement: AHCY is on the minus strand). VCF-style: chr20-34290597-T-C. GRCh37 (hg19) VCF-style: chr20-32878403-T-C.
Other names: c.724A>G, p.Asn242Asp (NM_001161766.2, NM_001322084.2, NM_001322085.2); c.814A>G, p.Asn272Asp (NM_001322086.2); c.808A>G, p.Asn270Asp (NM_001362750.2); short protein forms N242D, N272D, N270D.
Identifiers: ClinVar variation 1400495 (VCV001400495.6), dbSNP rs756816446, ClinGen allele CA9820886.

ClinVar aggregate classification (germline): Uncertain significance (1 of 4 stars; one submission).

Conditions:
Hypermethioninemia with deficiency of S-adenosylhomocysteine hydrolase. Identifiers: Orphanet 88618, MedGen C3151058, MONDO:0013404, OMIM 613752.

Allele frequency attached by ClinVar (database versions not stated): gnomAD exomes below 0.00001; ExAC 0.00001; gnomAD 0.00001.
gnomAD v4.1: 2 of 1,614,068 alleles (0.00012%); highest among the groups gnomAD compares: East Asian, 0.0045%; no homozygotes.

Submission:

Labcorp Genetics (formerly Invitae), Labcorp
Classification: Uncertain significance for Hypermethioninemia with deficiency of S-adenosylhomocysteine hydrolase. Last evaluated: 2020-12-27. Review status: criteria provided, single submitter. Criteria: Invitae Variant Classification Sherloc (09022015). Collection method: clinical testing. Allele origin: germline.
Comment: This sequence change replaces asparagine with aspartic acid at codon 270 of the AHCY protein (p.Asn270Asp). The asparagine residue is moderately conserved and there is a small physicochemical difference between asparagine and aspartic acid. In summary, the available evidence is currently insufficient to determine the role of this variant in disease. Therefore, it has been classified as a Variant of Uncertain Significance. Algorithms developed to predict the effect of missense changes on protein structure and function are either unavailable or do not agree on the potential impact of this missense change (SIFT: "Not Available"; PolyPhen-2: "Benign"; Align-GVGD: "Not Available"). This variant has not been reported in the literature in individuals with AHCY-related conditions. This variant is present in population databases (rs756816446, ExAC 0.01%).